The following is an entry in ClinVar:

ClinVar aggregate classification (germline): Uncertain significance (1 of 4 stars; one submission).

Submission:

Ambry Genetics
Classification: Uncertain significance. Last evaluated: 2026-03-17. Review status: criteria provided, single submitter. Criteria: Ambry Variant Classification Scheme 2023. Collection method: clinical testing. Allele origin: germline.
Comment: The p.E658K variant (also known as c.1972G>A), located in coding exon 13 of the GEN1 gene, results from a G to A substitution at nucleotide position 1972. The glutamic acid at codon 658 is replaced by lysine, an amino acid with similar properties. This amino acid position is conserved. In addition, this alteration is predicted to be tolerated by in silico analysis. Based on the available evidence, the clinical significance of this variant remains unclear.

NM_001130009.3(GEN1):c.1972G>A (p.Glu658Lys)

Gene: GEN1 (GEN1 structure-specific endonuclease; plus strand). Cytogenetic location: 2p24.2.
Variant type: single nucleotide variant.
Coding change: c.1972G>A on transcript NM_001130009.3 (MANE Select); coding-DNA position 1972, G replaced by A.
Protein change: p.Glu658Lys; replaces glutamic acid 658 with lysine.
Molecular consequence: missense variant.
Genome position (GRCh38, 1-based): chr2:17,781,184, G>A. VCF-style: chr2-17781184-G-A. GRCh37 (hg19) VCF-style: chr2-17962451-G-A.
Other names: c.1972G>A, p.Glu658Lys (NM_182625.5); short protein forms E658K.
Identifiers: ClinVar variation 4857936 (VCV004857936.1).